The following is an entry in ClinVar:

NM_003086.4(SNAPC4):c.1090A>G (p.Met364Val)

Gene: SNAPC4 (small nuclear RNA activating complex polypeptide 4; minus strand). Cytogenetic location: 9q34.3.
Variant type: single nucleotide variant.
Coding change: c.1090A>G on transcript NM_003086.4 (MANE Select); coding-DNA position 1090, A replaced by G.
Protein change: p.Met364Val; replaces methionine 364 with valine.
Molecular consequence: missense variant.
Genome position (GRCh38, 1-based): chr9:136,388,477, T>C on the plus strand (A>G on the coding strand, the complement: SNAPC4 is on the minus strand). VCF-style: chr9-136388477-T-C. GRCh37 (hg19) VCF-style: chr9-139282929-T-C.
Other names: c.1090A>G, p.Met364Val (NM_001394201.1, NM_001394202.1, NM_001394203.1); short protein forms M364V.
Identifiers: ClinVar variation 4530826 (VCV004530826.1).

ClinVar aggregate classification (germline): Uncertain significance (1 of 4 stars; one submission).

gnomAD v4.1: 2 of 1,611,858 alleles (0.00012%); highest among the groups gnomAD compares: African/African-American, 0.0027%; no homozygotes.

Submission:

GeneDx
Classification: Uncertain significance. Last evaluated: 2025-02-12. Review status: criteria provided, single submitter. Criteria: GeneDx Variant Classification Process June 2021. Collection method: clinical testing. Allele origin: germline. Affected: yes.
Comment: Not observed at significant frequency in large population cohorts (gnomAD); In silico analysis supports that this missense variant has a deleterious effect on protein structure/function; In silico analysis supports a deleterious effect on splicing; Has not been previously published as pathogenic or benign to our knowledge; Variants in candidate genes are classified as variants of uncertain significance in accordance with ACMG guidelines (PMID: 25741868)